The following is an entry in ClinVar:

NM_020320.5(RARS2):c.1512-6T>C

Gene: RARS2 (arginyl-tRNA synthetase 2, mitochondrial; minus strand). Cytogenetic location: 6q15.
Variant type: single nucleotide variant.
Coding change: c.1512-6T>C on transcript NM_020320.5 (MANE Select); 6 bases into the intron before coding-DNA position 1512, T replaced by C.
Molecular consequence: intron variant.
Genome position (GRCh38, 1-based): chr6:87,516,886, A>G on the plus strand (T>C on the coding strand, the complement: RARS2 is on the minus strand). VCF-style: chr6-87516886-A-G. GRCh37 (hg19) VCF-style: chr6-88226604-A-G.
Other names: c.1512-6T>C (NM_001350505.2); c.987-6T>C (NM_001350509.2, NM_001318785.2, NM_001350506.2 and 4 more transcripts).
Identifiers: ClinVar variation 703773 (VCV000703773.15), dbSNP rs185924037, ClinGen allele CA3916236.

ClinVar aggregate classification (germline): Conflicting classifications of pathogenicity. Review status: criteria provided, conflicting classifications (1 of 4 stars). 3 submissions from 3 submitters: Uncertain significance (1); Likely benign (1). 1 of the submissions does not count toward it. Last evaluated 2025-12-10.

Conditions:
Inborn genetic diseases. Identifiers: MedGen C0950123, MeSH D030342.
Pontocerebellar hypoplasia type 6 (PCH6). Identifiers: Orphanet 166073, MedGen C1969084, MONDO:0012683, OMIM 611523.

Allele frequency attached by ClinVar (database versions not stated): gnomAD exomes 0.00001 and 0.00005; ExAC 0.00005; TOPMed 0.00014; ESP Exome Variant Server 0.00015; 1000 Genomes Project 30x 0.00016; gnomAD 0.00019 and 0.00022; 1000 Genomes Project 0.00020.
gnomAD v4.1: 45 of 1,613,604 alleles (0.0028%); highest among the groups gnomAD compares: African/African-American, 0.049%; no homozygotes.

Submissions (3):

Labcorp Genetics (formerly Invitae), Labcorp
Classification: Likely benign. Last evaluated: 2025-12-10. Review status: criteria provided, single submitter. Criteria: Invitae Variant Classification Sherloc (09022015). Collection method: clinical testing. Allele origin: germline.

Ambry Genetics
Classification: Uncertain significance for Inborn genetic diseases. Last evaluated: 2022-02-07. Review status: criteria provided, single submitter. Criteria: Ambry Variant Classification Scheme 2023. Collection method: clinical testing. Allele origin: germline.
Comment: The c.1512-6T>C intronic alteration consists of a T to C substitution 6 nucleotides before coding exon 18 in the RARS2 gene. Based on insufficient or conflicting evidence, the clinical significance of this alteration remains unclear.

Natera, Inc.
Classification: Likely benign for Pontocerebellar hypoplasia, type 6. Last evaluated: 2020-09-15. Review status: no assertion criteria provided. Collection method: clinical testing. Allele origin: germline. Not counted in ClinVar's aggregate classification.